The following is an entry in ClinVar:

ClinVar aggregate classification (germline): Uncertain significance (1 of 4 stars; one submission).

Conditions:
Long QT syndrome (LQTS). Identifiers: MedGen C0023976, MeSH D008133, MONDO:0002442. Disease mechanism: loss of function. Inheritance: Various modes of inheritance.

Submission:

Labcorp Genetics (formerly Invitae), Labcorp
Classification: Uncertain significance for Long QT syndrome. Last evaluated: 2022-12-05. Review status: criteria provided, single submitter. Criteria: Invitae Variant Classification Sherloc (09022015). Collection method: clinical testing. Allele origin: germline.
Comment: This variant is not present in population databases (gnomAD no frequency). In summary, the available evidence is currently insufficient to determine the role of this variant in disease. Therefore, it has been classified as a Variant of Uncertain Significance. Algorithms developed to predict the effect of missense changes on protein structure and function are either unavailable or do not agree on the potential impact of this missense change (SIFT: "Deleterious"; PolyPhen-2: "Probably Damaging"; Align-GVGD: "Class C0"). This variant has not been reported in the literature in individuals affected with KCNH2-related conditions. This sequence change replaces leucine, which is neutral and non-polar, with proline, which is neutral and non-polar, at codon 736 of the KCNH2 protein (p.Leu736Pro).

NM_000238.4(KCNH2):c.2207T>C (p.Leu736Pro)

Gene: KCNH2 (potassium voltage-gated channel subfamily H member 2; minus strand). Cytogenetic location: 7q36.1.
Variant type: single nucleotide variant.
Coding change: c.2207T>C on transcript NM_000238.4 (MANE Select); coding-DNA position 2207, T replaced by C.
Protein change: p.Leu736Pro; replaces leucine 736 with proline.
Molecular consequence: missense variant. On other transcripts: non-coding transcript variant (2).
Genome position (GRCh38, 1-based): chr7:150,950,359, A>G on the plus strand (T>C on the coding strand, the complement: KCNH2 is on the minus strand). VCF-style: chr7-150950359-A-G. GRCh37 (hg19) VCF-style: chr7-150647447-A-G.
Other names: c.1187T>C, p.Leu396Pro (NM_001204798.2, NM_172057.3); c.1919T>C, p.Leu640Pro (NM_001406753.1, NM_001406756.1); c.2030T>C, p.Leu677Pro (NM_001406755.1); c.1907T>C, p.Leu636Pro (NM_001406757.1); c.2207T>C, p.Leu736Pro (NM_172056.3); short protein forms L636P, L396P, L640P, L677P, L736P.
Identifiers: ClinVar variation 2818813 (VCV002818813.3), dbSNP rs2486026688, ClinGen allele CA369856574.